The following is an entry in ClinVar:

ClinVar aggregate classification (germline): Pathogenic (1 of 4 stars; one submission).

Conditions:
Exostoses, multiple, type 2 (EXT2). Also called: Hereditary Multiple Osteochondromatosis, Type II; EXOSTOSES, MULTIPLE, TYPE II. Identifiers: Orphanet 321, MedGen C1851413, MONDO:0007586, OMIM 133701.

Submission:

Labcorp Genetics (formerly Invitae), Labcorp
Classification: Pathogenic for Exostoses, multiple, type 2. Last evaluated: 2025-07-30. Review status: criteria provided, single submitter. Criteria: Invitae Variant Classification Sherloc (09022015). Collection method: clinical testing. Allele origin: germline.
Comment: This sequence change affects a donor splice site in intron 3 of the EXT2 gene. It is expected to disrupt RNA splicing. Variants that disrupt the donor or acceptor splice site typically lead to a loss of protein function (PMID: 16199547), and loss-of-function variants in EXT2 are known to be pathogenic (PMID: 10679937, 19810120). This variant is not present in population databases (gnomAD no frequency). Disruption of this splice site has been observed in individual(s) with multiple osteochondromas (PMID: 11668521, 15586175, 29529714, 30334991). ClinVar contains an entry for this variant (Variation ID: 959554). Algorithms developed to predict the effect of sequence changes on RNA splicing suggest that this variant may disrupt the consensus splice site. For these reasons, this variant has been classified as Pathogenic.

Literature cited by the submitters: PubMed 16199547; PubMed 10679937; PubMed 19810120; PubMed 11668521; PubMed 15586175; PubMed 29529714; PubMed 30334991.

NM_207122.2(EXT2):c.626+2T>G

Gene: EXT2 (exostosin glycosyltransferase 2; plus strand). Cytogenetic location: 11p11.2.
Variant type: single nucleotide variant.
Coding change: c.626+2T>G on transcript NM_207122.2 (MANE Select); the canonical splice donor site of the intron after coding-DNA position 626, T replaced by G.
Molecular consequence: splice donor variant.
Genome position (GRCh38, 1-based): chr11:44,109,285, T>G. VCF-style: chr11-44109285-T-G. GRCh37 (hg19) VCF-style: chr11-44130835-T-G.
Other names: c.626+2T>G (NM_001389630.1, NM_001178083.3, NM_001389628.1); c.725+2T>G (NM_000401.3).
Identifiers: ClinVar variation 959554 (VCV000959554.10), dbSNP rs1954108778, ClinGen allele CA380180827.
Genomic context (GRCh38, chr11:44,109,285, plus strand): 5'-AACATGTTGCCTGGAGGTCCCCCAGATTATAACACAGCCCTGGATGTCCCCAGAGACAGG[T>G]AGGAGGCATATTTGGGGCTGTCCTTATGATGGGTTCAAGATCATTTTGTTCATGTGAAAT-3'